The following is an entry in ClinVar:

ClinVar aggregate classification (germline): Uncertain significance (1 of 4 stars; one submission).

Conditions:
Hereditary sensory and autonomic neuropathy type 6. Also called: HSAN VI; Neuropathy, hereditary sensory and autonomic, type VI. Identifiers: Orphanet 314381, MedGen C3539003, MONDO:0013839, OMIM 614653.
Epidermolysis bullosa simplex 3, localized or generalized intermediate, with BP230 deficiency (EBS3). Also called: Epidermolysis bullosa simplex, autosomal recessive 2; Epidermolysis bullosa simplex due to BP230 deficiency. Identifiers: Orphanet 412181, MedGen C3809470, MONDO:0014180, OMIM 615425.

Allele frequency attached by ClinVar (database versions not stated): gnomAD exomes below 0.00001; ExAC 0.00001.
gnomAD v4.1: 2 of 1,613,888 alleles (0.00012%); highest among the groups gnomAD compares: South Asian, 0.0022%; no homozygotes.

Submission:

Labcorp Genetics (formerly Invitae), Labcorp
Classification: Uncertain significance for Epidermolysis bullosa simplex 3, localized or generalized intermediate, with BP230 deficiency; Hereditary sensory and autonomic neuropathy type 6. Last evaluated: 2023-06-07. Review status: criteria provided, single submitter. Criteria: Invitae Variant Classification Sherloc (09022015). Collection method: clinical testing. Allele origin: germline.
Comment: This sequence change falls in intron 4 of the DST gene. It does not directly change the encoded amino acid sequence of the DST protein. It affects a nucleotide within the consensus splice site. This variant is present in population databases (rs752966209, gnomAD 0.003%). This variant has not been reported in the literature in individuals affected with DST-related conditions. Variants that disrupt the consensus splice site are a relatively common cause of aberrant splicing (PMID: 17576681, 9536098). Algorithms developed to predict the effect of sequence changes on RNA splicing suggest that this variant may disrupt the consensus splice site. In summary, the available evidence is currently insufficient to determine the role of this variant in disease. Therefore, it has been classified as a Variant of Uncertain Significance.

Literature cited by the submitters: PubMed 17576681; PubMed 9536098.

NM_001374736.1(DST):c.2490+4A>G

Gene: DST (dystonin; minus strand). Cytogenetic location: 6p12.1.
Variant type: single nucleotide variant.
Coding change: c.2490+4A>G on transcript NM_001374736.1 (MANE Select); 4 bases into the intron after coding-DNA position 2490, A replaced by G.
Molecular consequence: intron variant.
Genome position (GRCh38, 1-based): chr6:56,640,139, T>C on the plus strand (A>G on the coding strand, the complement: DST is on the minus strand). VCF-style: chr6-56640139-T-C. GRCh37 (hg19) VCF-style: chr6-56504937-T-C.
Other names: c.2391+4A>G (NM_001144769.5); c.2490+4A>G (NM_001374722.1); c.2517+4A>G (NM_001374734.1); c.1977+4A>G (NM_001144770.2); c.1857+4A>G (NM_001374730.1, NM_001386100.1, NM_183380.4 and 1 more transcripts); c.879+4A>G (NM_015548.5, NM_001723.7).
Identifiers: ClinVar variation 2931914 (VCV002931914.3), dbSNP rs752966209, ClinGen allele CA3871418.
Genomic context (GRCh38, chr6:56,640,139, plus strand): 5'-GTTTAAAAAAGAAATTGATAACAATAAAGACTGAAACACTCAGGTAAAGTAAACATTTTT[T>C]TACCTGCATCTCATCAACCCAATTCAAAAGATCCTGAACAAATTTCATATTGATTTCTTC-3'